The following is an entry in ClinVar:

ClinVar aggregate classification (germline): Conflicting classifications of pathogenicity. Review status: criteria provided, conflicting classifications (1 of 4 stars). 2 submissions from 2 submitters: Likely pathogenic (1); Uncertain significance (1). Last evaluated 2025-12-27.

Conditions:
Pituitary hormone deficiency, combined, 2. Also called: ATELIOTIC DWARFISM WITH HYPOGONADISM; HANHART DWARFISM; PROP1-Related Combined Pituitary Hormone Deficiency; PITUITARY DWARFISM III. Identifiers: MedGen C0878683, MONDO:0009878, OMIM 262600.

Allele frequency attached by ClinVar (database versions not stated): gnomAD exomes below 0.00001.
gnomAD v4.1: 1 of 1,610,520 alleles (0.000062%); highest among the groups gnomAD compares: Non-Finnish European, 0.000085%; no homozygotes.

Submissions (2):

Myriad Genetics, Inc.
Classification: Uncertain significance for Pituitary hormone deficiency, combined, 2. Last evaluated: 2025-12-27. Review status: criteria provided, single submitter. Criteria: Myriad Autosomal Dominant, Autosomal Recessive and X-Linked Classification Criteria (2023). Collection method: clinical testing. Allele origin: unknown.
Comment: NM_006261.4(PROP1):c.568C>T(Q190*) is a nonsense variant classified as a variant of uncertain significance in the context of combined pituitary hormone deficiency, PROP1-related. Q190* has not been observed in cases with relevant disease. Relevant functional assessments of this variant are not available in the literature. Q190* has not been observed in referenced population frequency databases. In summary, there is insufficient evidence to classify NM_006261.4(PROP1):c.568C>T(Q190*) as pathogenic or benign. Please note: this variant was assessed in the context of healthy population screening.

Baylor Genetics
Classification: Likely pathogenic for Pituitary hormone deficiency, combined, 2. Last evaluated: 2022-12-29. Review status: criteria provided, single submitter. Criteria: ACMG Guidelines, 2015. Collection method: clinical testing. Allele origin: unknown.

NM_006261.5(PROP1):c.568C>T (p.Gln190Ter)

Gene: PROP1 (PROP paired-like homeobox 1; minus strand). Cytogenetic location: 5q35.3.
Variant type: single nucleotide variant.
Coding change: c.568C>T on transcript NM_006261.5 (MANE Select); coding-DNA position 568, C replaced by T.
Protein change: p.Gln190Ter; replaces glutamine 190 with a stop codon.
Molecular consequence: nonsense.
Genome position (GRCh38, 1-based): chr5:177,992,822, G>A on the plus strand (C>T on the coding strand, the complement: PROP1 is on the minus strand). VCF-style: chr5-177992822-G-A. GRCh37 (hg19) VCF-style: chr5-177419823-G-A.
Other names: short protein forms Q190*.
Identifiers: ClinVar variation 2678072 (VCV002678072.2), dbSNP rs2480284225, ClinGen allele CA362378457.